The following is an entry in ClinVar:

ClinVar aggregate classification (germline): Pathogenic (1 of 4 stars; one submission).

Conditions:
Neurofibromatosis, type 1 (NF1). Also called: NEUROFIBROMATOSIS, TYPE I, SOMATIC; VON RECKLINGHAUSEN DISEASE; Neurofibromatosis, type I; Peripheral type neurofibromatosis. Identifiers: Orphanet 636, MedGen C0027831, MONDO:0018975, OMIM 162200. Disease mechanism: loss of function.

Submission:

Labcorp Genetics (formerly Invitae), Labcorp
Classification: Pathogenic for Neurofibromatosis, type 1. Last evaluated: 2024-12-19. Review status: criteria provided, single submitter. Criteria: Invitae Variant Classification Sherloc (09022015). Collection method: clinical testing. Allele origin: germline.
Comment: This sequence change affects a donor splice site in intron 3 of the NF1 gene. It is expected to disrupt RNA splicing. Variants that disrupt the donor or acceptor splice site typically lead to a loss of protein function (PMID: 16199547), and loss-of-function variants in NF1 are known to be pathogenic (PMID: 10712197, 23913538). This variant is not present in population databases (gnomAD no frequency). Disruption of this splice site has been observed in individuals with neurofibromatosis type 1 (PMID: 10633134, 17311297, 26056819). ClinVar contains an entry for this variant (Variation ID: 642767). Algorithms developed to predict the effect of sequence changes on RNA splicing suggest that this variant may disrupt the consensus splice site. For these reasons, this variant has been classified as Pathogenic.

Literature cited by the submitters: PubMed 16199547; PubMed 10712197; PubMed 23913538; PubMed 10633134; PubMed 17311297; PubMed 26056819.

NM_001042492.3(NF1):c.288+1G>C

Gene: NF1 (neurofibromin 1; plus strand). Cytogenetic location: 17q11.2.
Variant type: single nucleotide variant.
Coding change: c.288+1G>C on transcript NM_001042492.3 (MANE Select); the canonical splice donor site of the intron after coding-DNA position 288, G replaced by C.
Molecular consequence: splice donor variant.
Genome position (GRCh38, 1-based): chr17:31,159,094, G>C. VCF-style: chr17-31159094-G-C. GRCh37 (hg19) VCF-style: chr17-29486112-G-C.
Other names: c.288+1G>C (NM_000267.4, NM_001128147.3).
Identifiers: ClinVar variation 642767 (VCV000642767.8), dbSNP rs1567816131, ClinGen allele CA398989908.